The following is an entry in ClinVar:

NM_000051.4(ATM):c.7400T>C (p.Val2467Ala)

Genes: ATM (ATM serine/threonine kinase; plus strand), C11orf65 (chromosome 11 open reading frame 65; minus strand). Cytogenetic location: 11q22.3.
Variant type: single nucleotide variant.
Coding change: c.7400T>C on transcript NM_000051.4 (MANE Select); coding-DNA position 7400, T replaced by C.
Protein change: p.Val2467Ala; replaces valine 2467 with alanine.
Molecular consequence: missense variant. On other transcripts: intron variant (2).
Genome position (GRCh38, 1-based): chr11:108,330,306, T>C. VCF-style: chr11-108330306-T-C. GRCh37 (hg19) VCF-style: chr11-108201033-T-C.
Other names: c.7400T>C, p.Val2467Ala (NM_001351834.2); c.641-21235A>G (NM_001330368.2); c.*38+4914A>G (NM_001351110.2); short protein forms V2467A.
Identifiers: ClinVar variation 652915 (VCV000652915.8), dbSNP rs1591160606, ClinGen allele CA382560103.

ClinVar aggregate classification (germline): Uncertain significance. Review status: criteria provided, multiple submitters, no conflicts (2 of 4 stars). 2 submissions from 2 submitters: Uncertain significance (2). Last evaluated 2025-05-21.

Conditions:
Hereditary cancer-predisposing syndrome. Also called: Tumor predisposition; Hereditary neoplastic syndrome; Neoplastic Syndromes, Hereditary; Hereditary Cancer Syndrome. Identifiers: Orphanet 140162, MedGen C0027672, MeSH D009386, MONDO:0015356.
Ataxia-telangiectasia syndrome (AT). Also called: Ataxia-telangiectasia, complementation group D; AT, COMPLEMENTATION GROUP C; ATAXIA-TELANGIECTASIA, COMPLEMENTATION GROUP A; ATAXIA-TELANGIECTASIA, FRESNO VARIANT; Ataxia-telangiectasia; LOUIS-BAR SYNDROME. Identifiers: Orphanet 100, MedGen C0004135, MONDO:0008840, OMIM 208900.

Submissions (2):

Ambry Genetics
Classification: Uncertain significance for Hereditary cancer-predisposing syndrome. Last evaluated: 2025-05-21. Review status: criteria provided, single submitter. Criteria: Ambry Variant Classification Scheme 2023. Collection method: clinical testing. Allele origin: germline.
Comment: The p.V2467A variant (also known as c.7400T>C), located in coding exon 49 of the ATM gene, results from a T to C substitution at nucleotide position 7400. The valine at codon 2467 is replaced by alanine, an amino acid with similar properties. This amino acid position is conserved. In addition, the in silico prediction for this alteration is inconclusive. Based on the available evidence, the clinical significance of this variant remains unclear.

Labcorp Genetics (formerly Invitae), Labcorp
Classification: Uncertain significance for Ataxia-telangiectasia syndrome. Last evaluated: 2024-06-17. Review status: criteria provided, single submitter. Criteria: Invitae Variant Classification Sherloc (09022015). Collection method: clinical testing. Allele origin: germline.
Comment: This sequence change replaces valine, which is neutral and non-polar, with alanine, which is neutral and non-polar, at codon 2467 of the ATM protein (p.Val2467Ala). This variant is not present in population databases (gnomAD no frequency). This variant has not been reported in the literature in individuals affected with ATM-related conditions. ClinVar contains an entry for this variant (Variation ID: 652915). An algorithm developed to predict the effect of missense changes on protein structure and function (PolyPhen-2) suggests that this variant is likely to be disruptive. In summary, the available evidence is currently insufficient to determine the role of this variant in disease. Therefore, it has been classified as a Variant of Uncertain Significance.